The following is an entry in ClinVar:

ClinVar aggregate classification (germline): Uncertain significance (1 of 4 stars; one submission).

Conditions:
Tumor predisposition syndrome 3 (TPDS3). Also called: Glioma susceptibility 9; LONG TELOMERE SYNDROME, POT1-RELATED; POT1 Tumor Predisposition; Melanoma, cutaneous malignant, susceptibility to, 10. Identifiers: Orphanet 618, MedGen C4014476, MONDO:0014368, OMIM 615848.

Submission:

Labcorp Genetics (formerly Invitae), Labcorp
Classification: Uncertain significance for Tumor predisposition syndrome 3. Last evaluated: 2024-11-09. Review status: criteria provided, single submitter. Criteria: Invitae Variant Classification Sherloc (09022015). Collection method: clinical testing. Allele origin: germline.
Comment: This sequence change replaces glutamic acid, which is acidic and polar, with valine, which is neutral and non-polar, at codon 310 of the POT1 protein (p.Glu310Val). This variant is not present in population databases (gnomAD no frequency). This variant has not been reported in the literature in individuals affected with POT1-related conditions. Invitae Evidence Modeling of protein sequence and biophysical properties (such as structural, functional, and spatial information, amino acid conservation, physicochemical variation, residue mobility, and thermodynamic stability) indicates that this missense variant is not expected to disrupt POT1 protein function with a negative predictive value of 80%. In summary, the available evidence is currently insufficient to determine the role of this variant in disease. Therefore, it has been classified as a Variant of Uncertain Significance.

NM_015450.3(POT1):c.929A>T (p.Glu310Val)

Gene: POT1 (protection of telomeres 1; minus strand). Cytogenetic location: 7q31.33.
Variant type: single nucleotide variant.
Coding change: c.929A>T on transcript NM_015450.3 (MANE Select); coding-DNA position 929, A replaced by T.
Protein change: p.Glu310Val; replaces glutamic acid 310 with valine.
Molecular consequence: missense variant. On other transcripts: non-coding transcript variant (3).
Genome position (GRCh38, 1-based): chr7:124,851,892, T>A on the plus strand (A>T on the coding strand, the complement: POT1 is on the minus strand). VCF-style: chr7-124851892-T-A. GRCh37 (hg19) VCF-style: chr7-124491946-T-A.
Other names: c.536A>T, p.Glu179Val (NM_001042594.2); short protein forms E179V, E310V.
Identifiers: ClinVar variation 3666325 (VCV003666325.2).